The following is an entry in ClinVar:

ClinVar aggregate classification (germline): Pathogenic (1 of 4 stars; one submission).

Conditions:
Familial adenomatous polyposis 1 (FAP1). Also called: FAMILIAL ADENOMATOUS POLYPOSIS 1, ATTENUATED; POLYPOSIS, ADENOMATOUS INTESTINAL. Identifiers: MedGen C2713442, MONDO:0021056, OMIM 175100. Disease mechanism: loss of function.

Submission:

Myriad Genetics, Inc.
Classification: Pathogenic for Familial adenomatous polyposis 1. Last evaluated: 2023-05-03. Review status: criteria provided, single submitter. Criteria: Myriad Autosomal Dominant, Autosomal Recessive and X-Linked Classification Criteria (2023). Collection method: clinical testing. Allele origin: unknown.
Comment: This variant is considered pathogenic. This variant creates a frameshift predicted to result in premature protein truncation.

NM_000038.6(APC):c.1963del (p.Ile655fs)

Gene: APC (APC regulator of Wnt signaling pathway; plus strand). Cytogenetic location: 5q22.2.
Variant type: Deletion.
Coding change: c.1963del on transcript NM_000038.6 (MANE Select); coding-DNA position 1963, one base deleted (A; older notation c.1963delA).
Protein change: p.Ile655fs; shifts the reading frame from isoleucine 655.
Molecular consequence: frameshift variant. On other transcripts: non-coding transcript variant (2).
Genome position (GRCh38, 1-based): chr5:112,837,557, A deleted; the last of 3 consecutive A bases (chr5:112,837,555-112,837,557); deleting any one gives the same sequence. VCF-style (leftmost placement, unchanged base first): chr5-112837554-CA-C. GRCh37 (hg19) VCF-style: chr5-112173251-CA-C.
Other names: c.1963del, p.Ile655fs (NM_001127510.3, NM_001354895.2, NM_001407450.1); c.1909del, p.Ile637fs (NM_001127511.3); c.2017del, p.Ile673fs (NM_001354896.2, NM_001407447.1, NM_001407448.1 and 1 more transcripts); c.1993del, p.Ile665fs (NM_001354897.2); c.1888del, p.Ile630fs (NM_001354898.2); c.1879del, p.Ile627fs (NM_001354899.2); c.1840del, p.Ile614fs (NM_001354900.2); c.1786del, p.Ile596fs (NM_001354901.2, NM_001407453.1); and 11 more; short protein forms I271fs, I372fs, I495fs, I526fs, I529fs, I554fs, I564fs, I572fs.
Identifiers: ClinVar variation 2583955 (VCV002583955.1), dbSNP rs2533387399, ClinGen allele CA2582341402.